The following is an entry in ClinVar:

NM_004333.6(BRAF):c.981-261A>T

Genes: BRAF (B-Raf proto-oncogene, serine/threonine kinase; minus strand), LOC126860202 (BRD4-independent group 4 enhancer GRCh37_chr7:140493623-140494822; plus strand). Cytogenetic location: 7q34.
Variant type: single nucleotide variant.
Coding change: c.981-261A>T on transcript NM_004333.6 (MANE Select); 261 bases into the intron before coding-DNA position 981, A replaced by T.
Molecular consequence: intron variant.
Genome position (GRCh38, 1-based): chr7:140,794,728, T>A on the plus strand (A>T on the coding strand, the complement: BRAF is on the minus strand). VCF-style: chr7-140794728-T-A. GRCh37 (hg19) VCF-style: chr7-140494528-T-A.
Other names: c.981-261A>T (NM_001378474.1, NM_001378471.1, NM_001378468.1 and 4 more transcripts); c.879-261A>T (NM_001378470.1); c.717-261A>T (NM_001378475.1); c.990-261A>T (NM_001378467.1); c.825-261A>T (NM_001378472.1, NM_001378473.1).
Identifiers: ClinVar variation 2658070 (VCV002658070.24), dbSNP rs534433693, ClinGen allele CA168101113.

ClinVar aggregate classification (germline): Likely benign (1 of 4 stars; one submission).

Allele frequency attached by ClinVar (database versions not stated): gnomAD 0.00010; TOPMed 0.00010; 1000 Genomes Project 0.00080; 1000 Genomes Project 30x 0.00094.
gnomAD v4.1: 16 of 152,276 alleles (0.011%); highest among the groups gnomAD compares: South Asian, 0.15%; no homozygotes.

Submission:

CeGaT Center for Human Genetics Tuebingen
Classification: Likely benign. Last evaluated: 2026-03-01. Review status: criteria provided, single submitter. Criteria: CeGaT Center For Human Genetics Tuebingen Variant Classification Criteria Version 2. Collection method: clinical testing. Allele origin: germline. Affected: yes. Observed: 4 variant alleles.
Comment: BRAF: BS1